The following is an entry in ClinVar:

ClinVar aggregate classification (germline): Uncertain significance (1 of 4 stars; one submission).

Allele frequency attached by ClinVar (database versions not stated): ExAC 0.00001.
gnomAD v4.1: 1 of 1,266,942 alleles (0.000079%); highest among the groups gnomAD compares: South Asian, 0.0012%; no homozygotes.

Submission:

Labcorp Genetics (formerly Invitae), Labcorp
Classification: Uncertain significance. Last evaluated: 2024-08-31. Review status: criteria provided, single submitter. Criteria: Invitae Variant Classification Sherloc (09022015). Collection method: clinical testing. Allele origin: germline.
Comment: This sequence change replaces glycine, which is neutral and non-polar, with serine, which is neutral and polar, at codon 425 of the NFIA protein (p.Gly425Ser). The frequency data for this variant in the population databases is considered unreliable, as metrics indicate poor data quality at this position in the gnomAD database. This variant has not been reported in the literature in individuals affected with NFIA-related conditions. An algorithm developed to predict the effect of missense changes on protein structure and function (PolyPhen-2) suggests that this variant is likely to be disruptive. In summary, the available evidence is currently insufficient to determine the role of this variant in disease. Therefore, it has been classified as a Variant of Uncertain Significance.

NM_001134673.4(NFIA):c.1273G>A (p.Gly425Ser)

Gene: NFIA (nuclear factor I A; plus strand). Cytogenetic location: 1p31.3.
Variant type: single nucleotide variant.
Coding change: c.1273G>A on transcript NM_001134673.4 (MANE Select); coding-DNA position 1273, G replaced by A.
Protein change: p.Gly425Ser; replaces glycine 425 with serine.
Molecular consequence: missense variant.
Genome position (GRCh38, 1-based): chr1:61,406,580, G>A. VCF-style: chr1-61406580-G-A. GRCh37 (hg19) VCF-style: chr1-61872252-G-A.
Other names: c.1249G>A, p.Gly417Ser (NM_001145511.2); c.1408G>A, p.Gly470Ser (NM_001145512.2); c.1273G>A, p.Gly425Ser (NM_005595.5); short protein forms G417S, G425S, G470S.
Identifiers: ClinVar variation 2787653 (VCV002787653.3), dbSNP rs756460825, ClinGen allele CA881267.